The following is an entry in ClinVar:

NM_001163809.2(WDR81):c.4059C>T (p.Ile1353=)

Gene: WDR81 (WD repeat domain 81; plus strand). Cytogenetic location: 17p13.3.
Variant type: single nucleotide variant.
Coding change: c.4059C>T on transcript NM_001163809.2 (MANE Select); coding-DNA position 4059, C replaced by T.
Protein change: p.Ile1353=; no amino-acid change (isoleucine 1353 retained).
Molecular consequence: synonymous variant.
Genome position (GRCh38, 1-based): chr17:1,731,160, C>T. VCF-style: chr17-1731160-C-T. GRCh37 (hg19) VCF-style: chr17-1634454-C-T.
Other names: c.450C>T, p.Ile150= (NM_001163673.2); c.378C>T, p.Ile126= (NM_001163811.2); c.906C>T, p.Ile302= (NM_152348.4).
Identifiers: ClinVar variation 3047645 (VCV003047645.17), dbSNP rs375867041, ClinGen allele CA8273439.

ClinVar aggregate classification (germline): Likely benign. Review status: criteria provided, single submitter (1 of 4 stars). 2 submissions from 2 submitters: Likely benign (1). 1 of the submissions does not count toward it. Last evaluated 2024-08-01.

Conditions:
WDR81-related disorder. Also called: WDR81-related condition.

Allele frequency attached by ClinVar (database versions not stated): TOPMed 0.00001; gnomAD 0.00003; gnomAD exomes 0.00003; ExAC 0.00008; ESP Exome Variant Server 0.00015; 1000 Genomes Project 30x 0.00031.
gnomAD v4.1: 50 of 1,613,494 alleles (0.0031%); highest among the groups gnomAD compares: South Asian, 0.04%; no homozygotes.

Submissions (2):

CeGaT Center for Human Genetics Tuebingen
Classification: Likely benign. Last evaluated: 2024-08-01. Review status: criteria provided, single submitter. Criteria: CeGaT Center For Human Genetics Tuebingen Variant Classification Criteria Version 2. Collection method: clinical testing. Allele origin: germline. Affected: yes. Observed: 1 variant allele.
Comment: WDR81: PM2:Supporting, BP4, BP7

PreventionGenetics, part of Exact Sciences
Classification: Likely benign for WDR81-related condition. Last evaluated: 2019-02-22. Review status: no assertion criteria provided. Collection method: clinical testing. Allele origin: germline. Not counted in ClinVar's aggregate classification.
Comment: This variant is classified as likely benign based on ACMG/AMP sequence variant interpretation guidelines (Richards et al. 2015 PMID: 25741868, with internal and published modifications).